The following is an entry in ClinVar:

NM_018082.6(POLR3B):c.1102-2A>G

Gene: POLR3B (RNA polymerase III subunit B; plus strand). Cytogenetic location: 12q23.3.
Variant type: single nucleotide variant.
Coding change: c.1102-2A>G on transcript NM_018082.6 (MANE Select); the canonical splice acceptor site of the intron before coding-DNA position 1102, A replaced by G.
Molecular consequence: splice acceptor variant.
Genome position (GRCh38, 1-based): chr12:106,427,195, A>G. VCF-style: chr12-106427195-A-G. GRCh37 (hg19) VCF-style: chr12-106820973-A-G.
Other names: c.928-2A>G (NM_001160708.2).
Identifiers: ClinVar variation 2098858 (VCV002098858.5), dbSNP rs1360058966, ClinGen allele CA386387999.

ClinVar aggregate classification (germline): Likely pathogenic (1 of 4 stars; one submission).

Allele frequency attached by ClinVar (database versions not stated): gnomAD 0.00001.

Submissions (2):

Labcorp Genetics (formerly Invitae), Labcorp
Classification: Likely pathogenic. Last evaluated: 2022-02-18. Review status: criteria provided, single submitter. Criteria: Invitae Variant Classification Sherloc (09022015). Collection method: clinical testing. Allele origin: germline.
Comment: This sequence change affects an acceptor splice site in intron 12 of the POLR3B gene. It is expected to disrupt RNA splicing. Variants that disrupt the donor or acceptor splice site typically lead to a loss of protein function (PMID: 16199547), and loss-of-function variants in POLR3B are known to be pathogenic (PMID: 25339210). This variant is not present in population databases (gnomAD no frequency). This variant has not been reported in the literature in individuals affected with POLR3B-related conditions. Algorithms developed to predict the effect of sequence changes on RNA splicing suggest that this variant may disrupt the consensus splice site. In summary, the currently available evidence indicates that the variant is pathogenic, but additional data are needed to prove that conclusively. Therefore, this variant has been classified as Likely Pathogenic.

Dr. Peter K. Rogan Lab, Western University
No classification provided (evidence only). Condition: Thyroid cancer, nonmedullary, 1. Review status: no classification provided. Collection method: in vitro. Allele origin: not applicable. Functional consequence: retained intron. Not counted in ClinVar's aggregate classification.

Literature cited by the submitters: PubMed 16199547 (cited by Labcorp Genetics (formerly Invitae), Labcorp); PubMed 25339210 (cited by Labcorp Genetics (formerly Invitae), Labcorp).